The following is an entry in ClinVar:

ClinVar aggregate classification (germline): Uncertain significance. Review status: criteria provided, multiple submitters, no conflicts (2 of 4 stars). 2 submissions from 2 submitters: Uncertain significance (2). Last evaluated 2026-06-24.

Conditions:
Hereditary cancer-predisposing syndrome. Also called: Hereditary Cancer Syndrome; Tumor predisposition; Neoplastic Syndromes, Hereditary; Hereditary neoplastic syndrome. Identifiers: Orphanet 140162, MedGen C0027672, MeSH D009386, MONDO:0015356.
Gastrointestinal stromal tumor. Also called: Gastrointestinal stromal tumor, somatic; Gastrointestinal stroma tumor. Identifiers: Orphanet 44890, MedGen C0238198, MeSH D046152, MONDO:0011719, OMIM 606764, HP:0100723.

Submissions (2):

Ambry Genetics
Classification: Uncertain significance for Hereditary cancer-predisposing syndrome. Last evaluated: 2026-06-24. Review status: criteria provided, single submitter. Criteria: Ambry Variant Classification Scheme 2023. Collection method: clinical testing. Allele origin: germline.
Comment: The p.S1041R variant (also known as c.3123C>G) is located in coding exon 22 of the PDGFRA gene. The serine at codon 1041 is replaced by arginine, an amino acid with dissimilar properties. This change occurs in the first base pair of coding exon 22. This amino acid position is conserved. In addition, the in silico prediction for this alteration is inconclusive. Based on the available evidence, the clinical significance of this variant remains unclear.

Labcorp Genetics (formerly Invitae), Labcorp
Classification: Uncertain significance for Gastrointestinal stromal tumor. Last evaluated: 2025-08-11. Review status: criteria provided, single submitter. Criteria: Invitae Variant Classification Sherloc (09022015). Collection method: clinical testing. Allele origin: germline.
Comment: This sequence change replaces serine, which is neutral and polar, with arginine, which is basic and polar, at codon 1041 of the PDGFRA protein (p.Ser1041Arg). This variant is not present in population databases (gnomAD no frequency). This variant has not been reported in the literature in individuals affected with PDGFRA-related conditions. ClinVar contains an entry for this variant (Variation ID: 1487940). An algorithm developed to predict the effect of missense changes on protein structure and function (PolyPhen-2) suggests that this variant is likely to be tolerated. In summary, the available evidence is currently insufficient to determine the role of this variant in disease. Therefore, it has been classified as a Variant of Uncertain Significance.

NM_006206.6(PDGFRA):c.3123C>G (p.Ser1041Arg)

Gene: PDGFRA (platelet derived growth factor receptor alpha; plus strand). Cytogenetic location: 4q12.
Variant type: single nucleotide variant.
Coding change: c.3123C>G on transcript NM_006206.6 (MANE Select); coding-DNA position 3123, C replaced by G.
Protein change: p.Ser1041Arg; replaces serine 1041 with arginine.
Molecular consequence: missense variant.
Genome position (GRCh38, 1-based): chr4:54,295,125, C>G. VCF-style: chr4-54295125-C-G. GRCh37 (hg19) VCF-style: chr4-55161292-C-G.
Other names: c.3198C>G, p.Ser1066Arg (NM_001347828.2); c.3123C>G, p.Ser1041Arg (NM_001347829.2); c.3162C>G, p.Ser1054Arg (NM_001347830.2); c.3123C>G (NM_006206.4); short protein forms S1066R, S1041R, S1054R.
Identifiers: ClinVar variation 1487940 (VCV001487940.7), dbSNP rs2110358391, ClinGen allele CA356896440.